The following is an entry in ClinVar:

ClinVar aggregate classification (germline): Uncertain significance (1 of 4 stars; one submission).

Conditions:
Gastrointestinal stromal tumor. Also called: Gastrointestinal stroma tumor; Gastrointestinal stromal tumor, somatic. Identifiers: Orphanet 44890, MedGen C0238198, MeSH D046152, MONDO:0011719, OMIM 606764, HP:0100723.

Allele frequency attached by ClinVar (database versions not stated): gnomAD exomes below 0.00001.
gnomAD v4.1: 1 of 1,607,590 alleles (0.000062%); highest among the groups gnomAD compares: Middle Eastern, 0.017%; no homozygotes.

Submission:

Labcorp Genetics (formerly Invitae), Labcorp
Classification: Uncertain significance for Gastrointestinal stromal tumor. Last evaluated: 2024-12-26. Review status: criteria provided, single submitter. Criteria: Invitae Variant Classification Sherloc (09022015). Collection method: clinical testing. Allele origin: germline.
Comment: This sequence change falls in intron 5 of the KIT gene. It does not directly change the encoded amino acid sequence of the KIT protein. It affects a nucleotide within the consensus splice site. This variant is not present in population databases (gnomAD no frequency). This variant has not been reported in the literature in individuals affected with KIT-related conditions. ClinVar contains an entry for this variant (Variation ID: 409768). Variants that disrupt the consensus splice site are a relatively common cause of aberrant splicing (PMID: 17576681, 9536098). Algorithms developed to predict the effect of sequence changes on RNA splicing suggest that this variant may create or strengthen a splice site. In summary, the available evidence is currently insufficient to determine the role of this variant in disease. Therefore, it has been classified as a Variant of Uncertain Significance.

Literature cited by the submitters: PubMed 17576681; PubMed 9536098.

NM_000222.3(KIT):c.925+3A>G

Gene: KIT (KIT proto-oncogene, receptor tyrosine kinase; plus strand). Cytogenetic location: 4q12.
Variant type: single nucleotide variant.
Coding change: c.925+3A>G on transcript NM_000222.3 (MANE Select); 3 bases into the intron after coding-DNA position 925, A replaced by G.
Molecular consequence: intron variant.
Genome position (GRCh38, 1-based): chr4:54,703,895, A>G. VCF-style: chr4-54703895-A-G. GRCh37 (hg19) VCF-style: chr4-55570061-A-G.
Other names: c.928+3A>G (NM_001385284.1, NM_001385290.1, NM_001385288.1 and 1 more transcripts); c.925+3A>G (NM_001385285.1, NM_001093772.2, NM_001385286.1).
Identifiers: ClinVar variation 409768 (VCV000409768.7), dbSNP rs1060502561, ClinGen allele CA16611659.